The following is an entry in ClinVar:

NM_001006658.3(CR2):c.520G>C (p.Ala174Pro)

Gene: CR2 (complement C3d receptor 2; plus strand). Cytogenetic location: 1q32.2.
Variant type: single nucleotide variant.
Coding change: c.520G>C on transcript NM_001006658.3 (MANE Select); coding-DNA position 520, G replaced by C.
Protein change: p.Ala174Pro; replaces alanine 174 with proline.
Molecular consequence: missense variant.
Genome position (GRCh38, 1-based): chr1:207,468,601, G>C. VCF-style: chr1-207468601-G-C. GRCh37 (hg19) VCF-style: chr1-207641946-G-C.
Other names: c.520G>C, p.Ala174Pro (NM_001877.5); short protein forms A174P.
Identifiers: ClinVar variation 651570 (VCV000651570.6), dbSNP rs370389616, ClinGen allele CA1368455.

ClinVar aggregate classification (germline): Uncertain significance. Review status: criteria provided, multiple submitters, no conflicts (2 of 4 stars). 2 submissions from 2 submitters: Uncertain significance (2). Last evaluated 2025-01-13.

Conditions:
Inborn genetic diseases. Identifiers: MedGen C0950123, MeSH D030342.
Immunodeficiency, common variable, 7. Identifiers: Orphanet 1572, Orphanet 696894, MedGen C3542922, MONDO:0013862, OMIM 614699.

Allele frequency attached by ClinVar (database versions not stated): gnomAD 0.00003 and 0.00004; ESP Exome Variant Server 0.00008; ExAC 0.00002; TOPMed 0.00002.
gnomAD v4.1: 178 of 1,613,846 alleles (0.011%); highest among the groups gnomAD compares: Non-Finnish European, 0.015%; no homozygotes.

Submissions (2):

Labcorp Genetics (formerly Invitae), Labcorp
Classification: Uncertain significance for Immunodeficiency, common variable, 7. Last evaluated: 2025-01-13. Review status: criteria provided, single submitter. Criteria: Invitae Variant Classification Sherloc (09022015). Collection method: clinical testing. Allele origin: germline.
Comment: This sequence change replaces alanine, which is neutral and non-polar, with proline, which is neutral and non-polar, at codon 174 of the CR2 protein (p.Ala174Pro). This variant is present in population databases (rs370389616, gnomAD 0.007%). This variant has not been reported in the literature in individuals affected with CR2-related conditions. ClinVar contains an entry for this variant (Variation ID: 651570). An algorithm developed to predict the effect of missense changes on protein structure and function (PolyPhen-2) suggests that this variant is likely to be disruptive. In summary, the available evidence is currently insufficient to determine the role of this variant in disease. Therefore, it has been classified as a Variant of Uncertain Significance.

Ambry Genetics
Classification: Uncertain significance for Inborn genetic diseases. Last evaluated: 2022-10-26. Review status: criteria provided, single submitter. Criteria: Ambry Variant Classification Scheme 2023. Collection method: clinical testing. Allele origin: germline.